The following is an entry in ClinVar:

ClinVar aggregate classification (germline): Pathogenic. Review status: criteria provided, multiple submitters, no conflicts (2 of 4 stars). 2 submissions from 2 submitters: Pathogenic (2). Last evaluated 2023-06-06.

Conditions:
Familial cancer of breast. Also called: BREAST CANCER, FAMILIAL; Hereditary breast cancer; hereditary breast carcinoma. Identifiers: Orphanet 227535, MedGen C0346153, MONDO:0016419, OMIM 114480. Disease mechanism: loss of function.
Fanconi anemia complementation group J. Also called: BRIP1-Related Fanconi Anemia. Identifiers: Orphanet 84, MedGen C1836860, MONDO:0012187, OMIM 609054.

Submissions (2):

Myriad Genetics, Inc.
Classification: Pathogenic for Familial cancer of breast. Last evaluated: 2023-06-06. Review status: criteria provided, single submitter. Criteria: Myriad Autosomal Dominant, Autosomal Recessive and X-Linked Classification Criteria (2023). Collection method: clinical testing. Allele origin: unknown.
Comment: This variant is considered pathogenic. This variant creates a termination codon and is predicted to result in premature protein truncation.

Labcorp Genetics (formerly Invitae), Labcorp
Classification: Pathogenic for Familial cancer of breast; Fanconi anemia complementation group J. Last evaluated: 2015-01-21. Review status: criteria provided, single submitter. Criteria: Invitae Variant Classification Sherloc (09022015). Collection method: clinical testing. Allele origin: germline.
Comment: For these reasons, this variant has been classified as Pathogenic. While this particular variant has not been reported in the literature, truncating variants in BRIP1 are known to be pathogenic (PMID: 16116424, 18628483). This sequence change creates a premature translational stop signal at codon 816 (p.Trp816*). It is expected to result in an absent or disrupted protein product.

Literature cited by the submitters: PubMed 16116424 (cited by Labcorp Genetics (formerly Invitae), Labcorp); PubMed 18628483 (cited by Labcorp Genetics (formerly Invitae), Labcorp).

NM_032043.3(BRIP1):c.2447G>A (p.Trp816Ter)

Gene: BRIP1 (BRCA1 interacting DNA helicase 1; minus strand). Cytogenetic location: 17q23.2.
Variant type: single nucleotide variant.
Coding change: c.2447G>A on transcript NM_032043.3 (MANE Select); coding-DNA position 2447, G replaced by A.
Protein change: p.Trp816Ter; replaces tryptophan 816 with a stop codon.
Molecular consequence: nonsense.
Genome position (GRCh38, 1-based): chr17:61,715,996, C>T on the plus strand (G>A on the coding strand, the complement: BRIP1 is on the minus strand). VCF-style: chr17-61715996-C-T. GRCh37 (hg19) VCF-style: chr17-59793357-C-T.
Other names: short protein forms W816*.
Identifiers: ClinVar variation 188391 (VCV000188391.12), dbSNP rs786204250, ClinGen allele CA334772.
Genomic context (GRCh38, chr17:61,715,996, plus strand): 5'-TTTCACTCCACTTACCTACCAAGGGCCTGGTTTAAGGCCCTGTATGCTTGAATTTCATAC[C>T]ACTGACGGCCAGGTAGAAGACCTCTCAATTTTGAATGGTGGTCATTGTATTGTCGTTTTA-3'